The following is an entry in ClinVar:

ClinVar aggregate classification (germline): Benign/Likely benign. Review status: criteria provided, multiple submitters, no conflicts (2 of 4 stars). 17 submissions from 17 submitters: Benign (2); Likely benign (11). 4 of the submissions do not count toward it. Last evaluated 2026-01-10.

Conditions:
Hereditary cancer-predisposing syndrome. Also called: Hereditary Cancer Syndrome; Tumor predisposition; Neoplastic Syndromes, Hereditary; Hereditary neoplastic syndrome. Identifiers: Orphanet 140162, MedGen C0027672, MeSH D009386, MONDO:0015356.
Familial cancer of breast. Also called: hereditary breast carcinoma; BREAST CANCER, FAMILIAL; Hereditary breast cancer. Identifiers: Orphanet 227535, MedGen C0346153, MONDO:0016419, OMIM 114480. Disease mechanism: loss of function.
Ataxia-telangiectasia syndrome (AT). Also called: ATAXIA-TELANGIECTASIA, COMPLEMENTATION GROUP A; ATAXIA-TELANGIECTASIA, FRESNO VARIANT; Ataxia-telangiectasia; Ataxia-telangiectasia, complementation group E; Cerebello-oculocutaneous telangiectasia; Immunodeficiency with ataxia telangiectasia. Identifiers: Orphanet 100, MedGen C0004135, MONDO:0008840, OMIM 208900.

Allele frequency attached by ClinVar (database versions not stated): gnomAD exomes 0.00008 and 0.00007; TOPMed 0.00011; gnomAD 0.00006 and 0.00008; ExAC 0.00007.
gnomAD v4.1: 116 of 1,610,900 alleles (0.0072%); highest among the groups gnomAD compares: East Asian, 0.022%; no homozygotes.

Submissions (17):

Labcorp Genetics (formerly Invitae), Labcorp
Classification: Likely benign for Ataxia-telangiectasia syndrome. Last evaluated: 2026-01-10. Review status: criteria provided, single submitter. Criteria: Invitae Variant Classification Sherloc (09022015). Collection method: clinical testing. Allele origin: germline.

Mayo Clinic Laboratories, Mayo Clinic
Classification: Likely benign. Last evaluated: 2025-10-08. Review status: criteria provided, single submitter. Criteria: ACMG Guidelines, 2015. Collection method: clinical testing. Allele origin: germline. Observed: 2 variant alleles.
Comment: BP4, BP7

Women's Health and Genetics/Laboratory Corporation of America, LabCorp
Classification: Likely benign. Last evaluated: 2025-09-29. Review status: criteria provided, single submitter. Criteria: LabCorp Variant Classification Summary - May 2015. Collection method: clinical testing. Allele origin: germline.

CeGaT Center for Human Genetics Tuebingen
Classification: Likely benign. Last evaluated: 2025-06-01. Review status: criteria provided, single submitter. Criteria: CeGaT Center For Human Genetics Tuebingen Variant Classification Criteria Version 2. Collection method: clinical testing. Allele origin: germline. Affected: yes. Observed: 2 variant alleles.
Comment: ATM: BP4, BP7

Center for Genomic Medicine, Rigshospitalet, Copenhagen University Hospital
Classification: Likely benign. Last evaluated: 2025-03-04. Review status: criteria provided, single submitter. Criteria: ACMG Guidelines, 2015. Collection method: clinical testing. Allele origin: germline.

Blueprint Genetics
Classification: Likely benign. Last evaluated: 2024-11-25. Review status: criteria provided, single submitter. Criteria: ACMG Guidelines, 2015. Collection method: clinical testing. Allele origin: germline.

Myriad Genetics, Inc.
Classification: Benign for Familial cancer of breast. Last evaluated: 2024-06-14. Review status: criteria provided, single submitter. Criteria: Myriad Autosomal Dominant, Autosomal Recessive and X-Linked Classification Criteria (2023). Collection method: clinical testing. Allele origin: unknown.
Comment: This variant is considered benign. This variant is a silent/synonymous amino acid change and it is not expected to impact splicing.

Department of Pathology and Laboratory Medicine, Sinai Health System
Classification: Likely benign for Familial cancer of breast. Last evaluated: 2023-02-03. Review status: criteria provided, single submitter. Criteria: ACMG Guidelines, 2015. Collection method: clinical testing. Allele origin: germline. Affected: yes.

ARUP Laboratories, Molecular Genetics and Genomics, ARUP Laboratories
Classification: Likely benign. Last evaluated: 2022-12-23. Review status: criteria provided, single submitter. Criteria: ARUP Molecular Germline Variant Investigation Process 2024. Collection method: clinical testing. Allele origin: germline.

Sema4
Classification: Likely benign for Hereditary cancer-predisposing syndrome. Last evaluated: 2021-08-11. Review status: criteria provided, single submitter. Criteria: Sema4 Curation Guidelines. Collection method: curation. Allele origin: germline.

Color Diagnostics, LLC DBA Color Health
Classification: Likely benign for Hereditary cancer-predisposing syndrome. Last evaluated: 2016-02-25. Review status: criteria provided, single submitter. Criteria: ACMG Guidelines, 2015. Collection method: clinical testing. Allele origin: germline.

GeneDx
Classification: Benign. Last evaluated: 2015-03-03. Review status: criteria provided, single submitter. Criteria: GeneDx Variant Classification Process June 2021. Collection method: clinical testing. Allele origin: germline. Affected: yes.
Comment: This variant is associated with the following publications: (PMID: 12810666)

Ambry Genetics
Classification: Likely benign for Hereditary cancer-predisposing syndrome. Last evaluated: 2014-10-09. Review status: criteria provided, single submitter. Criteria: Ambry Variant Classification Scheme 2023. Collection method: clinical testing. Allele origin: germline.

Clinical Genetics Laboratory, Department of Pathology, Netherlands Cancer Institute
Classification: Likely benign. Review status: no assertion criteria provided. Collection method: clinical testing. Allele origin: germline. Affected: yes. Study: VKGL Data-share Consensus. Not counted in ClinVar's aggregate classification.

Diagnostic Laboratory, Department of Genetics, University Medical Center Groningen
Classification: Likely benign. Review status: no assertion criteria provided. Collection method: clinical testing. Allele origin: germline. Affected: yes. Study: VKGL Data-share Consensus. Not counted in ClinVar's aggregate classification.

Genome Diagnostics Laboratory, Amsterdam University Medical Center
Classification: Likely benign. Review status: no assertion criteria provided. Collection method: clinical testing. Allele origin: germline. Affected: yes. Study: VKGL Data-share Consensus. Not counted in ClinVar's aggregate classification.

Joint Genome Diagnostic Labs from Nijmegen and Maastricht, Radboudumc and MUMC+
Classification: Likely benign. Review status: no assertion criteria provided. Collection method: clinical testing. Allele origin: germline. Affected: yes. Study: VKGL Data-share Consensus. Not counted in ClinVar's aggregate classification.

Literature cited by the submitters: PubMed 12810666 (cited by Mayo Clinic Laboratories, Mayo Clinic).

NM_000051.4(ATM):c.7521C>T (p.Asp2507=)

Genes: ATM (ATM serine/threonine kinase; plus strand), C11orf65 (chromosome 11 open reading frame 65; minus strand). Cytogenetic location: 11q22.3.
Variant type: single nucleotide variant.
Coding change: c.7521C>T on transcript NM_000051.4 (MANE Select); coding-DNA position 7521, C replaced by T.
Protein change: p.Asp2507=; no amino-acid change (aspartic acid 2507 retained).
Molecular consequence: synonymous variant. On other transcripts: non-coding transcript variant (1), intron variant (2).
Genome position (GRCh38, 1-based): chr11:108,331,449, C>T. VCF-style: chr11-108331449-C-T. GRCh37 (hg19) VCF-style: chr11-108202176-C-T.
Other names: p.Asp2507=; c.7521C>T, p.Asp2507= (NM_001351834.2); c.641-22378G>A (NM_001330368.2); c.*38+3771G>A (NM_001351110.2); c.7521C>T (NM_000051.2).
Identifiers: ClinVar variation 183877 (VCV000183877.54), dbSNP rs751234924, ClinGen allele CA186843.